The following is an entry in ClinVar:

NM_004629.2(FANCG):c.1267C>T (p.Arg423Cys)

Gene: FANCG (FA complementation group G; minus strand). Cytogenetic location: 9p13.3.
Variant type: single nucleotide variant.
Coding change: c.1267C>T on transcript NM_004629.2 (MANE Select); coding-DNA position 1267, C replaced by T.
Protein change: p.Arg423Cys; replaces arginine 423 with cysteine.
Molecular consequence: missense variant.
Genome position (GRCh38, 1-based): chr9:35,075,631, G>A on the plus strand (C>T on the coding strand, the complement: FANCG is on the minus strand). VCF-style: chr9-35075631-G-A. GRCh37 (hg19) VCF-style: chr9-35075628-G-A.
Other names: short protein forms R423C.
Identifiers: ClinVar variation 3512859 (VCV003512859.2).

ClinVar aggregate classification (germline): Uncertain significance. Review status: criteria provided, multiple submitters, no conflicts (2 of 4 stars). 2 submissions from 2 submitters: Uncertain significance (2). Last evaluated 2025-07-14.

Conditions:
Fanconi anemia (FA). Also called: Fanconi's anemia. Identifiers: Orphanet 84, MedGen C0015625, MeSH D005199, MONDO:0019391.
Inborn genetic diseases. Identifiers: MedGen C0950123, MeSH D030342.

gnomAD v4.1: 18 of 1,613,580 alleles (0.0011%); highest among the groups gnomAD compares: South Asian, 0.0044%; no homozygotes.

Submissions (2):

Labcorp Genetics (formerly Invitae), Labcorp
Classification: Uncertain significance for Fanconi anemia. Last evaluated: 2025-07-14. Review status: criteria provided, single submitter. Criteria: Invitae Variant Classification Sherloc (09022015). Collection method: clinical testing. Allele origin: germline.
Comment: This sequence change replaces arginine, which is basic and polar, with cysteine, which is neutral and slightly polar, at codon 423 of the FANCG protein (p.Arg423Cys). This variant is present in population databases (rs765394242, gnomAD 0.006%). This variant has not been reported in the literature in individuals affected with FANCG-related conditions. ClinVar contains an entry for this variant (Variation ID: 3512859). Invitae Evidence Modeling of protein sequence and biophysical properties (such as structural, functional, and spatial information, amino acid conservation, physicochemical variation, residue mobility, and thermodynamic stability) indicates that this missense variant is expected to disrupt FANCG protein function with a positive predictive value of 80%. In summary, the available evidence is currently insufficient to determine the role of this variant in disease. Therefore, it has been classified as a Variant of Uncertain Significance.

Ambry Genetics
Classification: Uncertain significance for Inborn genetic diseases. Last evaluated: 2024-12-04. Review status: criteria provided, single submitter. Criteria: Ambry Variant Classification Scheme 2023. Collection method: clinical testing. Allele origin: germline.
Comment: The p.R423C variant (also known as c.1267C>T), located in coding exon 10 of the FANCG gene, results from a C to T substitution at nucleotide position 1267. The arginine at codon 423 is replaced by cysteine, an amino acid with highly dissimilar properties. This amino acid position is conserved. In addition, this alteration is predicted to be tolerated by in silico analysis. Based on the available evidence, the clinical significance of this variant remains unclear.